The following is an entry in ClinVar:

NM_000218.3(KCNQ1):c.1532G>A (p.Arg511Gln)

Gene: KCNQ1 (potassium voltage-gated channel subfamily Q member 1; plus strand). Cytogenetic location: 11p15.5.
Variant type: single nucleotide variant.
Coding change: c.1532G>A on transcript NM_000218.3 (MANE Select); coding-DNA position 1532, G replaced by A.
Protein change: p.Arg511Gln; replaces arginine 511 with glutamine.
Molecular consequence: missense variant.
Genome position (GRCh38, 1-based): chr11:2,768,861, G>A. VCF-style: chr11-2768861-G-A. GRCh37 (hg19) VCF-style: chr11-2790091-G-A.
Other names: c.1436G>A, p.Arg479Gln (NM_001406836.1); c.1262G>A, p.Arg421Gln (NM_001406837.1); c.992G>A, p.Arg331Gln (NM_001406838.1); c.1151G>A, p.Arg384Gln (NM_181798.2); short protein forms R384Q, R511Q, R421Q, R331Q, R479Q.
Identifiers: ClinVar variation 526906 (VCV000526906.18), dbSNP rs753962384, ClinGen allele CA030773.

ClinVar aggregate classification (germline): Uncertain significance. Review status: criteria provided, multiple submitters, no conflicts (2 of 4 stars). 6 submissions from 6 submitters: Uncertain significance (6). Last evaluated 2026-08-11.

Conditions:
Cardiac arrhythmia. Also called: Cardiac rhythm disease; Arrhythmia. Identifiers: MedGen C0003811, MONDO:0007263, HP:0011675.
Long QT syndrome (LQTS). Identifiers: MedGen C0023976, MeSH D008133, MONDO:0002442. Disease mechanism: loss of function. Inheritance: Various modes of inheritance.
Long QT syndrome 1 (LQT1). Identifiers: Orphanet 101016, Orphanet 768, MedGen C4551647, MONDO:0100316, OMIM 192500, MONDO:0008646.

Allele frequency attached by ClinVar (database versions not stated): ExAC 0.00001; gnomAD 0.00001; gnomAD exomes 0.00001; TOPMed 0.00001.

Submissions (6):

GeneDx
Classification: Uncertain significance. Last evaluated: 2026-08-11. Review status: criteria provided, single submitter. Criteria: GeneDx Variant Classification Process June 2021. Collection method: clinical testing. Allele origin: germline.
Comment: Not observed at significant frequency in large population cohorts (gnomAD); In silico analysis supports that this missense variant does not alter protein structure/function; This variant is associated with the following publications: (PMID: 38367891)

Labcorp Genetics (formerly Invitae), Labcorp
Classification: Uncertain significance for Long QT syndrome. Last evaluated: 2025-12-19. Review status: criteria provided, single submitter. Criteria: Invitae Variant Classification Sherloc (09022015). Collection method: clinical testing. Allele origin: germline.
Comment: This sequence change replaces arginine, which is basic and polar, with glutamine, which is neutral and polar, at codon 511 of the KCNQ1 protein (p.Arg511Gln). This variant is present in population databases (rs753962384, gnomAD 0.01%). This missense change has been observed in individual(s) with clinical features of long QT syndrome (PMID: 38367891). ClinVar contains an entry for this variant (Variation ID: 526906). Invitae Evidence Modeling of protein sequence and biophysical properties (such as structural, functional, and spatial information, amino acid conservation, physicochemical variation, residue mobility, and thermodynamic stability) has been performed for this missense variant. However, the output from this modeling did not meet the statistical confidence thresholds required to predict the impact of this variant on KCNQ1 protein function. In summary, the available evidence is currently insufficient to determine the role of this variant in disease. Therefore, it has been classified as a Variant of Uncertain Significance.

All of Us Research Program, National Institutes of Health
Classification: Uncertain significance for Long QT syndrome. Last evaluated: 2023-12-01. Review status: criteria provided, single submitter. Criteria: ACMG Guidelines, 2015. Collection method: clinical testing. Allele origin: germline. Inheritance: Autosomal dominant inheritance. Observed: 3 variant alleles, 3 heterozygotes.
Comment: This missense variant replaces arginine with glutamine at codon 511 of the KCNQ1 protein. Computational prediction suggests that this variant may have deleterious impact on protein structure and function (internally defined REVEL score threshold >= 0.7, PMID: 27666373). Splice site prediction tools suggest that this variant may not impact RNA splicing. To our knowledge, functional studies have not been performed for this variant. This variant has not been reported in individuals affected with cardiovascular disorders in the literature. This variant has been identified in 2/251384 chromosomes in the general population by the Genome Aggregation Database (gnomAD). The available evidence is insufficient to determine the role of this variant in disease conclusively. Therefore, this variant is classified as a Variant of Uncertain Significance.

This study involves interpretation of variants in research participants for the purpose of population health screening. Participant phenotype was not available at the time of variant classification. Additional details can be found in publication PMID: 35346344, PMCID: PMC8962531

Molecular Genetics Laboratory - Cardiogenetics, CHU de Nantes
Classification: Uncertain significance for Long QT syndrome 1. Last evaluated: 2023-08-01. Review status: criteria provided, single submitter. Criteria: ACMG Guidelines, 2015. Collection method: clinical testing. Allele origin: germline. Affected: yes.

Color Diagnostics, LLC DBA Color Health
Classification: Uncertain significance for Cardiac arrhythmia. Last evaluated: 2022-12-21. Review status: criteria provided, single submitter. Criteria: ACMG Guidelines, 2015. Collection method: clinical testing. Allele origin: germline.
Comment: This missense variant replaces arginine with glutamine at codon 511 of the KCNQ1 protein. Computational prediction suggests that this variant may have deleterious impact on protein structure and function (internally defined REVEL score threshold >= 0.7, PMID: 27666373). To our knowledge, functional studies have not been reported for this variant. This variant has not been reported in individuals affected with KCNQ1-related disorders in the literature. This variant has been identified in 2/251384 chromosomes in the general population by the Genome Aggregation Database (gnomAD). The available evidence is insufficient to determine the role of this variant in disease conclusively. Therefore, this variant is classified as a Variant of Uncertain Significance.

Blueprint Genetics
Classification: Uncertain significance. Last evaluated: 2022-08-08. Review status: criteria provided, single submitter. Criteria: ACMG Guidelines, 2015. Collection method: clinical testing. Allele origin: germline.

Literature cited by the submitters: PubMed 38367891 (cited by Labcorp Genetics (formerly Invitae), Labcorp).